The following is an entry in ClinVar:

NM_001166114.2(PNPLA6):c.3548T>G (p.Val1183Gly)

Gene: PNPLA6 (patatin like domain 6, lysophospholipase; plus strand). Cytogenetic location: 19p13.2.
Variant type: single nucleotide variant.
Coding change: c.3548T>G on transcript NM_001166114.2 (MANE Select); coding-DNA position 3548, T replaced by G.
Protein change: p.Val1183Gly; replaces valine 1183 with glycine.
Molecular consequence: missense variant.
Genome position (GRCh38, 1-based): chr19:7,559,000, T>G. VCF-style: chr19-7559000-T-G. GRCh37 (hg19) VCF-style: chr19-7623886-T-G.
Other names: c.3578T>G, p.Val1193Gly (NM_001166111.2); c.3353T>G, p.Val1118Gly (NM_001166112.2); c.3434T>G, p.Val1145Gly (NM_001166113.1, NM_006702.5); short protein forms V1145G, V1193G, V1118G, V1183G.
Identifiers: ClinVar variation 947423 (VCV000947423.10), dbSNP rs757555345, ClinGen allele CA9140507.

ClinVar aggregate classification (germline): Uncertain significance. Review status: criteria provided, multiple submitters, no conflicts (2 of 4 stars). 2 submissions from 2 submitters: Uncertain significance (2). Last evaluated 2023-07-10.

Conditions:
Hereditary spastic paraplegia 39 (SPG39). Also called: Spastic Paraplegia Type 39 (SPG39); SPASTIC PARAPLEGIA 39, AUTOSOMAL RECESSIVE. Identifiers: Orphanet 139480, MedGen C2677586, MONDO:0012787, OMIM 612020.

Allele frequency attached by ClinVar (database versions not stated): gnomAD exomes below 0.00001; TOPMed below 0.00001; ExAC 0.00001.
gnomAD v4.1: 3 of 1,614,150 alleles (0.00019%); highest among the groups gnomAD compares: Non-Finnish European, 0.00025%; no homozygotes.

Submissions (2):

Labcorp Genetics (formerly Invitae), Labcorp
Classification: Uncertain significance for Hereditary spastic paraplegia 39. Last evaluated: 2023-07-10. Review status: criteria provided, single submitter. Criteria: Invitae Variant Classification Sherloc (09022015). Collection method: clinical testing. Allele origin: germline.
Comment: This sequence change replaces valine, which is neutral and non-polar, with glycine, which is neutral and non-polar, at codon 1145 of the PNPLA6 protein (p.Val1145Gly). This variant is present in population databases (rs757555345, gnomAD 0.0009%). This variant has not been reported in the literature in individuals affected with PNPLA6-related conditions. ClinVar contains an entry for this variant (Variation ID: 947423). Advanced modeling of protein sequence and biophysical properties (such as structural, functional, and spatial information, amino acid conservation, physicochemical variation, residue mobility, and thermodynamic stability) performed at Invitae indicates that this missense variant is expected to disrupt PNPLA6 protein function. In summary, the available evidence is currently insufficient to determine the role of this variant in disease. Therefore, it has been classified as a Variant of Uncertain Significance.

Blueprint Genetics
Classification: Uncertain significance. Last evaluated: 2019-10-24. Review status: criteria provided, single submitter. Criteria: ACMG Guidelines, 2015. Collection method: clinical testing. Allele origin: germline.